The following is an entry in ClinVar:

ClinVar aggregate classification (germline): Uncertain significance (1 of 4 stars; one submission).

gnomAD v4.1: 5 of 1,608,794 alleles (0.00031%); highest among the groups gnomAD compares: Admixed American, 0.0017%; no homozygotes.

Submission:

Women's Health and Genetics/Laboratory Corporation of America, LabCorp
Classification: Uncertain significance. Last evaluated: 2026-03-25. Review status: criteria provided, single submitter. Criteria: LabCorp Variant Classification Summary - May 2015. Collection method: clinical testing. Allele origin: germline.
Comment: Variant summary: PMP2 c.-11C>A is located in the untranslated mRNA region upstream of the initiation codon. The variant was absent in 251094 control chromosomes. The available data on variant occurrences in the general population are insufficient to allow any conclusion about variant significance. To our knowledge, no occurrence of c.-11C>A in individuals affected with PMP2-related conditions and no experimental evidence demonstrating its impact on protein function have been reported. No submitters have cited clinical-significance assessments for this variant to ClinVar. Based on the evidence outlined above, the variant was classified as uncertain significance.

NM_002677.5(PMP2):c.-11C>A

Gene: PMP2 (peripheral myelin protein 2; minus strand). Cytogenetic location: 8q21.13.
Variant type: single nucleotide variant.
Coding change: c.-11C>A on transcript NM_002677.5 (MANE Select); 11 bases upstream of the start codon, C replaced by A.
Molecular consequence: 5 prime UTR variant.
Genome position (GRCh38, 1-based): chr8:81,447,397, G>T on the plus strand (C>A on the coding strand, the complement: PMP2 is on the minus strand). VCF-style: chr8-81447397-G-T. GRCh37 (hg19) VCF-style: chr8-82359632-G-T.
Other names: c.-11C>A (NM_001348381.2).
Identifiers: ClinVar variation 4847679 (VCV004847679.1).
Genomic context (GRCh38, chr8:81,447,397, plus strand): 5'-AAGTTCTCACTAGAGACAAGTTTCCAGGTGCCCAGGAATTTGTTGCTCATCGTGATGGGT[G>T]AGAGCTCAACACAGTTCTAAGTGGGATTCAGAAGACTCAGATAAAATGCTGAGGCCTCAG-3'